The following is an entry in ClinVar:

NC_012920.1(MT-TK):m.8298T>C

Gene: MT-TK (mitochondrially encoded tRNA lysine; plus strand).
Variant type: single nucleotide variant.
Genome position: chrM-8298-T-C.
Identifiers: ClinVar variation 690062 (VCV000690062.1), dbSNP rs1603221389, ClinGen allele CA913178868.

ClinVar aggregate classification (germline): Likely benign (1 of 4 stars; one submission).

Conditions:
MELAS syndrome (MELAS). Also called: Juvenile myopathy, encephalopathy, lactic acidosis, stroke. Identifiers: Orphanet 550, MedGen C0162671, MONDO:0010789, OMIM 540000.

Submission:

Wong Mito Lab, Molecular and Human Genetics, Baylor College of Medicine
Classification: Likely benign for MELAS syndrome. Last evaluated: 2019-07-12. Review status: criteria provided, single submitter. Criteria: Modified ACMG Guidelines (Unpublished). Collection method: clinical testing. Allele origin: germline.
Comment: The NC_012920.1:m.8298T>C variant in MT-TK gene is interpreted to be a Likely Benign variant based on the modified ACMG guidelines (unpublished). This variant meets the following evidence codes reported in the guidelines: BS1, BP6

Literature cited by the submitters: PubMed 31965079.